The following is an entry in ClinVar:

NM_004168.4(SDHA):c.1432+10T>C

Gene: SDHA (succinate dehydrogenase complex flavoprotein subunit A; plus strand). Cytogenetic location: 5p15.33.
Variant type: single nucleotide variant.
Coding change: c.1432+10T>C on transcript NM_004168.4 (MANE Select); 10 bases into the intron after coding-DNA position 1432, T replaced by C.
Molecular consequence: intron variant.
Genome position (GRCh38, 1-based): chr5:236,609, T>C. VCF-style: chr5-236609-T-C. GRCh37 (hg19) VCF-style: chr5-236724-T-C.
Other names: c.1432+10T>C (NM_001330758.2); c.1288+10T>C (NM_001294332.2).
Identifiers: ClinVar variation 2029618 (VCV002029618.5), dbSNP rs2477377459, ClinGen allele CA2580073084.

ClinVar aggregate classification (germline): Likely benign. Review status: criteria provided, multiple submitters, no conflicts (2 of 4 stars). 2 submissions from 2 submitters: Likely benign (2). Last evaluated 2025-03-10.

Conditions:
Pheochromocytoma/paraganglioma syndrome 5. Also called: Paragangliomas 5; SDHA-Related Hereditary Paraganglioma-Pheochromocytoma Syndrome. Identifiers: Orphanet 29072, MedGen C3279992, MONDO:0013602, OMIM 614165.
Mitochondrial complex II deficiency, nuclear type 1. Also called: SUCCINATE CoQ REDUCTASE DEFICIENCY. Identifiers: Orphanet 3208, MedGen C5700310, MONDO:0100294, OMIM 252011.

Submissions (2):

Myriad Genetics, Inc.
Classification: Likely benign for Pheochromocytoma/paraganglioma syndrome 5. Last evaluated: 2025-03-10. Review status: criteria provided, single submitter. Criteria: Myriad Autosomal Dominant, Autosomal Recessive and X-Linked Classification Criteria (2023). Collection method: clinical testing. Allele origin: unknown.
Comment: This variant is considered likely benign. This variant is intronic and is not expected to impact mRNA splicing.

Labcorp Genetics (formerly Invitae), Labcorp
Classification: Likely benign for Pheochromocytoma/paraganglioma syndrome 5; Mitochondrial complex II deficiency, nuclear type 1. Last evaluated: 2023-06-16. Review status: criteria provided, single submitter. Criteria: Invitae Variant Classification Sherloc (09022015). Collection method: clinical testing. Allele origin: germline.